The following is an entry in ClinVar:

ClinVar aggregate classification (germline): Conflicting classifications of pathogenicity. Review status: criteria provided, conflicting classifications (1 of 4 stars). 4 submissions from 4 submitters: Uncertain significance (2); Likely benign (2). Last evaluated 2026-02-01.

Conditions:
MTOR-related disorder. Also called: MTOR-related condition.

Allele frequency attached by ClinVar (database versions not stated): gnomAD 0.00003; ExAC 0.00004; gnomAD exomes 0.00004; TOPMed 0.00004; ESP Exome Variant Server 0.00008.
gnomAD v4.1: 156 of 1,614,060 alleles (0.0097%); highest among the groups gnomAD compares: Non-Finnish European, 0.013%; no homozygotes.

Submissions (4):

CeGaT Center for Human Genetics Tuebingen
Classification: Uncertain significance. Last evaluated: 2026-02-01. Review status: criteria provided, single submitter. Criteria: CeGaT Center For Human Genetics Tuebingen Variant Classification Criteria Version 2. Collection method: clinical testing. Allele origin: germline. Affected: yes. Observed: 1 variant allele.
Comment: MTOR: PP3

Labcorp Genetics (formerly Invitae), Labcorp
Classification: Likely benign. Last evaluated: 2024-10-23. Review status: criteria provided, single submitter. Criteria: Invitae Variant Classification Sherloc (09022015). Collection method: clinical testing. Allele origin: germline.

PreventionGenetics, part of Exact Sciences
Classification: Uncertain significance for MTOR-related condition. Last evaluated: 2023-01-09. Review status: criteria provided, single submitter. Criteria: ACMG Guidelines, 2015. Collection method: clinical testing. Allele origin: germline.
Comment: The MTOR c.1855C>T variant is predicted to result in the amino acid substitution p.Arg619Cys. To our knowledge, this variant has not been reported in the literature in individuals with MTOR-related disorders. This variant is reported in 0.0079% of alleles in individuals of European (Non-Finnish) descent in gnomAD. At this time, the clinical significance of this variant is uncertain due to the absence of conclusive functional and genetic evidence.

GeneDx
Classification: Likely benign. Last evaluated: 2020-03-03. Review status: criteria provided, single submitter. Criteria: GeneDx Variant Classification Process June 2021. Collection method: clinical testing. Allele origin: germline. Affected: yes.
Comment: Has not been previously published as pathogenic or benign to our knowledge; In silico analysis, which includes protein predictors and evolutionary conservation, supports a deleterious effect

NM_004958.4(MTOR):c.1855C>T (p.Arg619Cys)

Gene: MTOR (mechanistic target of rapamycin kinase; minus strand). Cytogenetic location: 1p36.22.
Variant type: single nucleotide variant.
Coding change: c.1855C>T on transcript NM_004958.4 (MANE Select); coding-DNA position 1855, C replaced by T.
Protein change: p.Arg619Cys; replaces arginine 619 with cysteine.
Molecular consequence: missense variant.
Genome position (GRCh38, 1-based): chr1:11,238,549, G>A on the plus strand (C>T on the coding strand, the complement: MTOR is on the minus strand). VCF-style: chr1-11238549-G-A. GRCh37 (hg19) VCF-style: chr1-11298606-G-A.
Other names: c.1855C>T, p.Arg619Cys (NM_001386500.1); c.607C>T, p.Arg203Cys (NM_001386501.1); short protein forms R203C, R619C.
Identifiers: ClinVar variation 1205811 (VCV001205811.16), dbSNP rs199712134, ClinGen allele CA590624.